The following is an entry in ClinVar:

ClinVar aggregate classification (germline): Conflicting classifications of pathogenicity. Review status: criteria provided, conflicting classifications (1 of 4 stars). 2 submissions from 2 submitters: Uncertain significance (1); Benign (1). Last evaluated 2025-11-04.

Conditions:
Hereditary cancer-predisposing syndrome. Also called: Tumor predisposition; Hereditary Cancer Syndrome; Neoplastic Syndromes, Hereditary; Hereditary neoplastic syndrome. Identifiers: Orphanet 140162, MedGen C0027672, MeSH D009386, MONDO:0015356.
Gorlin syndrome. Also called: Basal cell nevus syndrome; Nevoid Basal Cell Carcinoma Syndrome. Identifiers: Orphanet 377, MedGen C0004779, MONDO:0007187.

Allele frequency attached by ClinVar (database versions not stated): gnomAD exomes 0.00001 and 0.00003; gnomAD 0.00017 and 0.00019; TOPMed 0.00023.
gnomAD v4.1: 33 of 1,613,964 alleles (0.002%); highest among the groups gnomAD compares: Admixed American, 0.055%; no homozygotes.

Submissions (2):

Ambry Genetics
Classification: Uncertain significance for Hereditary cancer-predisposing syndrome. Last evaluated: 2025-11-04. Review status: criteria provided, single submitter. Criteria: Ambry Variant Classification Scheme 2023. Collection method: clinical testing. Allele origin: germline.
Comment: The p.V1084A variant (also known as c.3251T>C), located in coding exon 19 of the PTCH1 gene, results from a T to C substitution at nucleotide position 3251. The valine at codon 1084 is replaced by alanine, an amino acid with similar properties. Based on data from gnomAD, the frequency for this variant is above the maximum credible frequency for a disease-causing variant in this gene based on internally established thresholds (Karczewski et al. Nature. 2020 May;581(7809):434-443; Whiffin et al. Genet Med. 2017 10;19:1151-1158). This amino acid position is highly conserved in available vertebrate species. In addition, this alteration is predicted to be deleterious by in silico analysis. Based on the available evidence, the clinical significance of this alteration remains unclear.

Labcorp Genetics (formerly Invitae), Labcorp
Classification: Benign for Gorlin syndrome. Last evaluated: 2025-09-14. Review status: criteria provided, single submitter. Criteria: Invitae Variant Classification Sherloc (09022015). Collection method: clinical testing. Allele origin: germline.

NM_000264.5(PTCH1):c.3251T>C (p.Val1084Ala)

Gene: PTCH1 (patched 1; minus strand). Cytogenetic location: 9q22.32.
Variant type: single nucleotide variant.
Coding change: c.3251T>C on transcript NM_000264.5 (MANE Select); coding-DNA position 3251, T replaced by C.
Protein change: p.Val1084Ala; replaces valine 1084 with alanine.
Molecular consequence: missense variant. On other transcripts: non-coding transcript variant (1).
Genome position (GRCh38, 1-based): chr9:95,456,331, A>G on the plus strand (T>C on the coding strand, the complement: PTCH1 is on the minus strand). VCF-style: chr9-95456331-A-G. GRCh37 (hg19) VCF-style: chr9-98218613-A-G.
Other names: c.3053T>C, p.Val1018Ala (NM_001083602.3); c.3248T>C, p.Val1083Ala (NM_001083603.3); c.2798T>C, p.Val933Ala (NM_001083604.3, NM_001083605.3, NM_001083606.3 and 1 more transcripts); c.3095T>C, p.Val1032Ala (NM_001354918.2); short protein forms V1018A, V1084A, V1032A, V1083A, V933A.
Identifiers: ClinVar variation 453847 (VCV000453847.13), dbSNP rs1463935039, ClinGen allele CA374112062.
Genomic context (GRCh38, chr9:95,456,331, plus strand): 5'-CATACCAAAGCAACGTGAACGGTGAACTCCACTCCTATGCCAACAGAAGCGATCAGGATG[A>G]CCACGGGCACGGCACTGAGCTTGATTCCGATGAGGCCCATCATGCCGAACAGCTCGACCG-3'
Protein context (NP_000255.2, residues 1074-1094): IGIKLSAVPV[Val1084Ala]ILIASVGIGV